The following is an entry in ClinVar:

NM_001271.4(CHD2):c.3677A>C (p.Glu1226Ala)

Gene: CHD2 (chromodomain helicase DNA binding protein 2; plus strand). Cytogenetic location: 15q26.1.
Variant type: single nucleotide variant.
Coding change: c.3677A>C on transcript NM_001271.4 (MANE Select); coding-DNA position 3677, A replaced by C.
Protein change: p.Glu1226Ala; replaces glutamic acid 1226 with alanine.
Molecular consequence: missense variant.
Genome position (GRCh38, 1-based): chr15:92,997,038, A>C. VCF-style: chr15-92997038-A-C. GRCh37 (hg19) VCF-style: chr15-93540268-A-C.
Other names: short protein forms E1226A.
Identifiers: ClinVar variation 2159532 (VCV002159532.4), dbSNP rs1294509320, ClinGen allele CA393897896.

ClinVar aggregate classification (germline): Uncertain significance (1 of 4 stars; one submission).

Conditions:
Developmental and epileptic encephalopathy 94 (DEE94). Also called: CHD2-Related Neurodevelopmental Disorders; Epileptic encephalopathy, childhood-onset. Identifiers: Orphanet 1942, Orphanet 2382, MedGen C3809278, MONDO:0014150, OMIM 615369.

Allele frequency attached by ClinVar (database versions not stated): gnomAD exomes below 0.00001.
gnomAD v4.1: 2 of 1,613,998 alleles (0.00012%); highest among the groups gnomAD compares: Admixed American, 0.0033%; no homozygotes.

Submission:

Labcorp Genetics (formerly Invitae), Labcorp
Classification: Uncertain significance for Developmental and epileptic encephalopathy 94. Last evaluated: 2024-11-05. Review status: criteria provided, single submitter. Criteria: Invitae Variant Classification Sherloc (09022015). Collection method: clinical testing. Allele origin: germline.
Comment: This sequence change replaces glutamic acid, which is acidic and polar, with alanine, which is neutral and non-polar, at codon 1226 of the CHD2 protein (p.Glu1226Ala). This variant is present in population databases (no rsID available, gnomAD 0.006%). This variant has not been reported in the literature in individuals affected with CHD2-related conditions. ClinVar contains an entry for this variant (Variation ID: 2159532). Invitae Evidence Modeling of protein sequence and biophysical properties (such as structural, functional, and spatial information, amino acid conservation, physicochemical variation, residue mobility, and thermodynamic stability) indicates that this missense variant is not expected to disrupt CHD2 protein function with a negative predictive value of 95%. In summary, the available evidence is currently insufficient to determine the role of this variant in disease. Therefore, it has been classified as a Variant of Uncertain Significance.